The following is an entry in ClinVar:

ClinVar aggregate classification (germline): Uncertain significance (1 of 4 stars; one submission).

Conditions:
Hereditary pulmonary alveolar proteinosis. Also called: Pulmonary surfactant metabolism dysfunction. Identifiers: Orphanet 264675, MedGen C3711368, MONDO:0012580.

Submission:

Ambry Genetics
Classification: Uncertain significance for Hereditary pulmonary alveolar proteinosis. Last evaluated: 2018-02-27. Review status: criteria provided, single submitter. Criteria: Ambry Variant Classification Scheme 2023. Collection method: clinical testing. Allele origin: germline.
Comment: The p.P30S variant (also known as c.88C>T), located in coding exon 2 of the SFTPC gene, results from a C to T substitution at nucleotide position 88. The proline at codon 30 is replaced by serine, an amino acid with similar properties. This amino acid position is well conserved in available vertebrate species. In addition, the in silico prediction for this alteration is inconclusive. Since supporting evidence is limited at this time, the clinical significance of this alteration remains unclear.

NM_001317778.2(SFTPC):c.88C>T (p.Pro30Ser)

Gene: SFTPC (surfactant protein C; plus strand). Cytogenetic location: 8p21.3.
Variant type: single nucleotide variant.
Coding change: c.88C>T on transcript NM_001317778.2 (MANE Select); coding-DNA position 88, C replaced by T.
Protein change: p.Pro30Ser; replaces proline 30 with serine.
Molecular consequence: missense variant. On other transcripts: intron variant (2).
Genome position (GRCh38, 1-based): chr8:22,162,619, C>T. VCF-style: chr8-22162619-C-T. GRCh37 (hg19) VCF-style: chr8-22020132-C-T.
Other names: c.88C>T, p.Pro30Ser (NM_001172357.2, NM_001172410.2, NM_001317780.2 and 8 more transcripts); c.43-461C>T (NM_001385660.1, NM_001317779.2); short protein forms P30S.
Identifiers: ClinVar variation 1765042 (VCV001765042.2), dbSNP rs2538940967, ClinGen allele CA370536708.